The following is an entry in ClinVar:

NM_001042681.2(RERE):c.4298_4301del (p.His1433fs)

Gene: RERE (arginine-glutamic acid dipeptide repeats; minus strand). Cytogenetic location: 1p36.23.
Variant type: Deletion.
Coding change: c.4298_4301del on transcript NM_001042681.2 (MANE Select); coding-DNA positions 4298 to 4301, 4 bases deleted (ACTC; older notation c.4298_4301delACTC).
Protein change: p.His1433fs; shifts the reading frame from histidine 1433.
Molecular consequence: frameshift variant.
Genome position (GRCh38, 1-based): chr1:8,358,234-8,358,237, GAGT deleted on the plus strand (ACTC on the coding strand, the reverse complement: RERE is on the minus strand); deleting any 4 consecutive bases within chr1:8,358,234-8,358,239 gives the same sequence; the c. name uses the placement nearest the transcript's 3' end. VCF-style (leftmost placement, unchanged base first): chr1-8358233-GGAGT-G. GRCh37 (hg19) VCF-style: chr1-8418293-GGAGT-G.
Other names: c.2636_2639del, p.His879fs (NM_001042682.2); c.4298_4301del, p.His1433fs (NM_012102.4); short protein forms H1433fs, H879fs.
Identifiers: ClinVar variation 5007144 (VCV005007144.2).

ClinVar aggregate classification (germline): Likely pathogenic (1 of 4 stars; one submission).

Conditions:
Neurodevelopmental disorder with or without anomalies of the brain, eye, or heart (NEDBEH). Identifiers: Orphanet 494344, MedGen C5567477, MONDO:0014857, OMIM 616975.

Submission:

Juno Genomics, Hangzhou Juno Genomics, Inc
Classification: Likely pathogenic for Neurodevelopmental disorder with or without anomalies of the brain, eye, or heart. Review status: criteria provided, single submitter. Criteria: ACMG Guidelines, 2015. Collection method: clinical testing. Allele origin: germline.
Comment: Null variant in a gene where loss of function (LOF) is a known mechanism of disease.;Absent from controls (or at extremely low frequency if recessive) in Genome Aggregation Database.